The following is an entry in ClinVar:

NM_001197104.2(KMT2A):c.1791G>C (p.Leu597Phe)

Gene: KMT2A (lysine methyltransferase 2A; plus strand). Cytogenetic location: 11q23.3.
Variant type: single nucleotide variant.
Coding change: c.1791G>C on transcript NM_001197104.2 (MANE Select); coding-DNA position 1791, G replaced by C.
Protein change: p.Leu597Phe; replaces leucine 597 with phenylalanine.
Molecular consequence: missense variant.
Genome position (GRCh38, 1-based): chr11:118,472,950, G>C. VCF-style: chr11-118472950-G-C. GRCh37 (hg19) VCF-style: chr11-118343665-G-C.
Other names: c.1890G>C, p.Leu630Phe (NM_001412597.1); c.1791G>C, p.Leu597Phe (NM_005933.4); short protein forms L597F, L630F.
Identifiers: ClinVar variation 3031687 (VCV003031687.2), dbSNP rs2496803968, ClinGen allele CA382811049.

ClinVar aggregate classification (germline): Uncertain significance (0 of 4 stars; one submission).

Conditions:
KMT2A-related disorder. Also called: KMT2A-related condition.

Submission:

PreventionGenetics, part of Exact Sciences
Classification: Uncertain significance for KMT2A-related condition. Last evaluated: 2023-12-01. Review status: no assertion criteria provided. Collection method: clinical testing. Allele origin: germline.
Comment: The KMT2A c.1791G>C variant is predicted to result in the amino acid substitution p.Leu597Phe. To our knowledge, this variant has not been reported in the literature or in a large population database, indicating this variant is rare. At this time, the clinical significance of this variant is uncertain due to the absence of conclusive functional and genetic evidence.